The following is an entry in ClinVar:

ClinVar aggregate classification (germline): Uncertain significance (1 of 4 stars; one submission).

Submission:

Labcorp Genetics (formerly Invitae), Labcorp
Classification: Uncertain significance. Last evaluated: 2024-07-17. Review status: criteria provided, single submitter. Criteria: Invitae Variant Classification Sherloc (09022015). Collection method: clinical testing. Allele origin: germline.
Comment: This sequence change replaces glutamine, which is neutral and polar, with glutamic acid, which is acidic and polar, at codon 621 of the TOP2B protein (p.Gln621Glu). This variant is not present in population databases (gnomAD no frequency). This variant has not been reported in the literature in individuals affected with TOP2B-related conditions. An algorithm developed to predict the effect of missense changes on protein structure and function (PolyPhen-2) suggests that this variant is likely to be tolerated. In summary, the available evidence is currently insufficient to determine the role of this variant in disease. Therefore, it has been classified as a Variant of Uncertain Significance.

NM_001330700.2(TOP2B):c.1876C>G (p.Gln626Glu)

Gene: TOP2B (DNA topoisomerase II beta; minus strand). Cytogenetic location: 3p24.2.
Variant type: single nucleotide variant.
Coding change: c.1876C>G on transcript NM_001330700.2 (MANE Select); coding-DNA position 1876, C replaced by G.
Protein change: p.Gln626Glu; replaces glutamine 626 with glutamic acid.
Molecular consequence: missense variant.
Genome position (GRCh38, 1-based): chr3:25,628,877, G>C on the plus strand (C>G on the coding strand, the complement: TOP2B is on the minus strand). VCF-style: chr3-25628877-G-C. GRCh37 (hg19) VCF-style: chr3-25670368-G-C.
Other names: c.1861C>G, p.Gln621Glu (NM_001068.3); short protein forms Q621E, Q626E.
Identifiers: ClinVar variation 3659708 (VCV003659708.2).
Genomic context (GRCh38, chr3:25,628,877, plus strand): 5'-TTTAAAATCTAAGTATTTTAAAATACAAACCTTTATAGTACTTTATTTTCCAGGCTTTCT[G>C]GTTTTCTATATGTTTTTTCCATTCGTCAAATTCAGGAATACTGTAGAAGGAAAGTTCCTG-3'
Protein context (NP_001317629.1, residues 616-636): FDEWKKHIEN[Gln626Glu]KAWKIKYYKG